The following is an entry in ClinVar:

ClinVar aggregate classification (germline): Uncertain significance (1 of 4 stars; one submission).

Allele frequency attached by ClinVar (database versions not stated): gnomAD exomes below 0.00001.
gnomAD v4.1: 1 of 1,168,489 alleles (0.000086%); highest among the groups gnomAD compares: Non-Finnish European, 0.00012%; no homozygotes.

Submission:

GeneDx
Classification: Uncertain significance. Last evaluated: 2022-12-12. Review status: criteria provided, single submitter. Criteria: GeneDx Variant Classification Process June 2021. Collection method: clinical testing. Allele origin: germline. Affected: yes.
Comment: In silico analysis supports that this missense variant has a deleterious effect on protein structure/function; Not observed at significant frequency in large population cohorts (gnomAD); Has not been previously published as pathogenic or benign to our knowledge

NM_014927.5(CNKSR2):c.778G>A (p.Asp260Asn)

Gene: CNKSR2 (connector enhancer of kinase suppressor of Ras 2; plus strand). Cytogenetic location: Xp22.12.
Variant type: single nucleotide variant.
Coding change: c.778G>A on transcript NM_014927.5 (MANE Select); coding-DNA position 778, G replaced by A.
Protein change: p.Asp260Asn; replaces aspartic acid 260 with asparagine.
Molecular consequence: missense variant.
Genome position (GRCh38, 1-based): chrX:21,501,556, G>A. VCF-style: chrX-21501556-G-A. GRCh37 (hg19) VCF-style: chrX-21519674-G-A.
Other names: c.778G>A, p.Asp260Asn (NM_001168647.3, NM_001168648.3, NM_001168649.3 and 4 more transcripts); short protein forms D260N.
Identifiers: ClinVar variation 2504775 (VCV002504775.1), dbSNP rs2519001813, ClinGen allele CA412549884.